The following is an entry in ClinVar:

ClinVar aggregate classification (germline): Uncertain significance (1 of 4 stars; one submission).

Conditions:
Hypertrophic cardiomyopathy. Also called: HYPERTROPHIC MYOCARDIOPATHY. Identifiers: Orphanet 217569, MedGen C0007194, MeSH D002312, MONDO:0005045, HP:0001639.

Submission:

Labcorp Genetics (formerly Invitae), Labcorp
Classification: Uncertain significance for Hypertrophic cardiomyopathy. Last evaluated: 2022-12-02. Review status: criteria provided, single submitter. Criteria: Invitae Variant Classification Sherloc (09022015). Collection method: clinical testing. Allele origin: germline.
Comment: In summary, the available evidence is currently insufficient to determine the role of this variant in disease. Therefore, it has been classified as a Variant of Uncertain Significance. Algorithms developed to predict the effect of missense changes on protein structure and function (SIFT, PolyPhen-2, Align-GVGD) all suggest that this variant is likely to be tolerated. This variant has not been reported in the literature in individuals affected with MYOM1-related conditions. This variant is not present in population databases (gnomAD no frequency). This sequence change replaces serine, which is neutral and polar, with glycine, which is neutral and non-polar, at codon 48 of the MYOM1 protein (p.Ser48Gly).

NM_003803.4(MYOM1):c.142A>G (p.Ser48Gly)

Gene: MYOM1 (myomesin 1; minus strand). Cytogenetic location: 18p11.31.
Variant type: single nucleotide variant.
Coding change: c.142A>G on transcript NM_003803.4 (MANE Select); coding-DNA position 142, A replaced by G.
Protein change: p.Ser48Gly; replaces serine 48 with glycine.
Molecular consequence: missense variant.
Genome position (GRCh38, 1-based): chr18:3,215,082, T>C on the plus strand (A>G on the coding strand, the complement: MYOM1 is on the minus strand). VCF-style: chr18-3215082-T-C. GRCh37 (hg19) VCF-style: chr18-3215080-T-C.
Other names: c.142A>G, p.Ser48Gly (NM_019856.2); short protein forms S48G.
Identifiers: ClinVar variation 2792008 (VCV002792008.3), dbSNP rs1234403854, ClinGen allele CA401718195.